The following is an entry in ClinVar:

NM_000063.6(C2):c.1262G>A (p.Arg421Lys)

Gene: C2 (complement C2; plus strand). Cytogenetic location: 6p21.33.
Variant type: single nucleotide variant.
Coding change: c.1262G>A on transcript NM_000063.6 (MANE Select); coding-DNA position 1262, G replaced by A.
Protein change: p.Arg421Lys; replaces arginine 421 with lysine.
Molecular consequence: missense variant.
Genome position (GRCh38, 1-based): chr6:31,943,001, G>A. VCF-style: chr6-31943001-G-A. GRCh37 (hg19) VCF-style: chr6-31910778-G-A.
Other names: c.1262G>A (NM_000063.4); c.866G>A, p.Arg289Lys (NM_001145903.3); c.620G>A, p.Arg207Lys (NM_001178063.3); c.524G>A, p.Arg175Lys (NM_001282457.2); c.1175G>A, p.Arg392Lys (NM_001282458.2); short protein forms R421K, R207K, R289K, R175K, R392K.
Identifiers: ClinVar variation 1507034 (VCV001507034.5), dbSNP rs756916740, ClinGen allele CA3727667.
Genomic context (GRCh38, chr6:31,943,001, plus strand): 5'-TTCCCTCTTCCCCACCAGACATCTATGCCATCGGGGTGGGCAAGCTGGATGTGGACTGGA[G>A]AGAACTGAATGAGCTAGGGTCCAAGAAGGATGGTGAGAGGCATGCCTTCATTCTGCAGGA-3'
Protein context (NP_000054.2, residues 411-431): IGVGKLDVDW[Arg421Lys]ELNELGSKKD

ClinVar aggregate classification (germline): Conflicting classifications of pathogenicity. Review status: criteria provided, conflicting classifications (1 of 4 stars). 2 submissions from 2 submitters: Uncertain significance (1); Likely benign (1). Last evaluated 2026-01-24.

Allele frequency attached by ClinVar (database versions not stated): gnomAD 0.00001; gnomAD exomes 0.00001 and 0.00004; ExAC 0.00002; TOPMed 0.00002.
gnomAD v4.1: 62 of 1,612,962 alleles (0.0038%); highest among the groups gnomAD compares: Non-Finnish European, 0.0051%; no homozygotes.

Submissions (2):

Labcorp Genetics (formerly Invitae), Labcorp
Classification: Uncertain significance. Last evaluated: 2026-01-24. Review status: criteria provided, single submitter. Criteria: Invitae Variant Classification Sherloc (09022015). Collection method: clinical testing. Allele origin: germline.
Comment: This sequence change replaces arginine, which is basic and polar, with lysine, which is basic and polar, at codon 421 of the C2 protein (p.Arg421Lys). This variant is present in population databases (rs756916740, gnomAD 0.003%). This variant has not been reported in the literature in individuals affected with C2-related conditions. ClinVar contains an entry for this variant (Variation ID: 1507034). An algorithm developed to predict the effect of missense changes on protein structure and function outputs the following: PolyPhen-2: "Benign". The lysine amino acid residue is found in multiple mammalian species, which suggests that this missense change does not adversely affect protein function. In summary, the available evidence is currently insufficient to determine the role of this variant in disease. Therefore, it has been classified as a Variant of Uncertain Significance.

Ambry Genetics
Classification: Likely benign. Last evaluated: 2025-11-03. Review status: criteria provided, single submitter. Criteria: Ambry Variant Classification Scheme 2023. Collection method: clinical testing. Allele origin: germline.